The following is an entry in ClinVar:

NM_001134363.3(RBM20):c.150A>C (p.Pro50=)

Gene: RBM20 (RNA binding motif protein 20; plus strand). Cytogenetic location: 10q25.2.
Variant type: single nucleotide variant.
Coding change: c.150A>C on transcript NM_001134363.3 (MANE Select); coding-DNA position 150, A replaced by C.
Protein change: p.Pro50=; no amino-acid change (proline 50 retained).
Molecular consequence: synonymous variant.
Genome position (GRCh38, 1-based): chr10:110,644,604, A>C. VCF-style: chr10-110644604-A-C. GRCh37 (hg19) VCF-style: chr10-112404362-A-C.
Other names: c.150A>C (LRG_382t1).
Identifiers: ClinVar variation 518221 (VCV000518221.42), dbSNP rs376936285, ClinGen allele CA471464262.

ClinVar aggregate classification (germline): Likely benign. Review status: criteria provided, multiple submitters, no conflicts (2 of 4 stars). 7 submissions from 7 submitters: Likely benign (4). 3 of the submissions do not count toward it. Last evaluated 2024-11-25.

Conditions:
Dilated cardiomyopathy 1DD (CMD1DD). Identifiers: Orphanet 154, MedGen C2750995, MONDO:0013168, OMIM 613172.

Submissions (7):

Blueprint Genetics
Classification: Likely benign. Last evaluated: 2024-11-25. Review status: criteria provided, single submitter. Criteria: ACMG Guidelines, 2015. Collection method: clinical testing. Allele origin: germline.

Labcorp Genetics (formerly Invitae), Labcorp
Classification: Likely benign for Dilated cardiomyopathy 1DD. Last evaluated: 2024-08-04. Review status: criteria provided, single submitter. Criteria: Invitae Variant Classification Sherloc (09022015). Collection method: clinical testing. Allele origin: germline.

CeGaT Center for Human Genetics Tuebingen
Classification: Likely benign. Last evaluated: 2023-02-01. Review status: criteria provided, single submitter. Criteria: CeGaT Center For Human Genetics Tuebingen Variant Classification Criteria Version 2. Collection method: clinical testing. Allele origin: germline. Affected: yes. Observed: 2 variant alleles.
Comment: RBM20: BP4, BP7

Breakthrough Genomics
Classification: Likely benign. Review status: criteria provided, single submitter. Criteria: ACMG Guidelines, 2015. Collection method: not provided. Allele origin: germline. Inheritance: Autosomal dominant inheritance. Affected: yes.

Clinical Genetics DNA and cytogenetics Diagnostics Lab, Erasmus MC, Erasmus Medical Center
Classification: Likely benign. Review status: no assertion criteria provided. Collection method: clinical testing. Allele origin: germline. Affected: yes. Study: VKGL Data-share Consensus. Not counted in ClinVar's aggregate classification.

Diagnostic Laboratory, Department of Genetics, University Medical Center Groningen
Classification: Likely benign for Dilated cardiomyopathy 1DD. Review status: no assertion criteria provided. Collection method: clinical testing. Allele origin: germline. Affected: yes. Study: VKGL Data-share Consensus. Not counted in ClinVar's aggregate classification.

Genome Diagnostics Laboratory, University Medical Center Utrecht
Classification: Likely benign. Review status: no assertion criteria provided. Collection method: clinical testing. Allele origin: germline. Affected: yes. Study: VKGL Data-share Consensus. Not counted in ClinVar's aggregate classification.